The following is an entry in ClinVar:

ClinVar aggregate classification (germline): Uncertain significance (1 of 4 stars; one submission).

gnomAD v4.1: 2 of 1,613,590 alleles (0.00012%); highest among the groups gnomAD compares: Non-Finnish European, 0.00017%; no homozygotes.

Submission:

GeneDx
Classification: Uncertain significance. Last evaluated: 2022-06-23. Review status: criteria provided, single submitter. Criteria: GeneDx Variant Classification Process June 2021. Collection method: clinical testing. Allele origin: germline. Affected: yes.
Comment: Not observed at significant frequency in large population cohorts (gnomAD); In silico analysis supports that this missense variant does not alter protein structure/function; Has not been previously published as pathogenic or benign to our knowledge

NM_153240.5(NPHP3):c.2098C>G (p.Leu700Val)

Genes: NPHP3 (nephrocystin 3; minus strand), NPHP3-ACAD11 (NPHP3-ACAD11 readthrough (NMD candidate); minus strand). Cytogenetic location: 3q22.1.
Variant type: single nucleotide variant.
Coding change: c.2098C>G on transcript NM_153240.5 (MANE Select); coding-DNA position 2098, C replaced by G.
Protein change: p.Leu700Val; replaces leucine 700 with valine.
Molecular consequence: missense variant. On other transcripts: non-coding transcript variant (1).
Genome position (GRCh38, 1-based): chr3:132,696,804, G>C on the plus strand (C>G on the coding strand, the complement: NPHP3 is on the minus strand). VCF-style: chr3-132696804-G-C. GRCh37 (hg19) VCF-style: chr3-132415648-G-C.
Other names: short protein forms L700V.
Identifiers: ClinVar variation 1806825 (VCV001806825.1), dbSNP rs763195408, ClinGen allele CA2622113.